The following is an entry in ClinVar:

NM_000038.6(APC):c.580A>G (p.Arg194Gly)

Gene: APC (APC regulator of Wnt signaling pathway; plus strand). Cytogenetic location: 5q22.2.
Variant type: single nucleotide variant.
Coding change: c.580A>G on transcript NM_000038.6 (MANE Select); coding-DNA position 580, A replaced by G.
Protein change: p.Arg194Gly; replaces arginine 194 with glycine.
Molecular consequence: missense variant. On other transcripts: 5 prime UTR variant (1).
Genome position (GRCh38, 1-based): chr5:112,780,838, A>G. VCF-style: chr5-112780838-A-G. GRCh37 (hg19) VCF-style: chr5-112116535-A-G.
Other names: c.610A>G, p.Arg204Gly (NM_001354897.2, NM_001127511.3, NM_001354902.2); c.505A>G, p.Arg169Gly (NM_001354898.2, NM_001354904.2); c.580A>G, p.Arg194Gly (NM_001127510.3, NM_001354895.2, NM_001354896.2 and 2 more transcripts); c.403A>G, p.Arg135Gly (NM_001354900.2, NM_001354901.2, NM_001354905.2); c.-456A>G (NM_001354906.2); short protein forms R169G, R194G, R204G, R135G.
Identifiers: ClinVar variation 964074 (VCV000964074.11), dbSNP rs1758246384, ClinGen allele CA16022603.

ClinVar aggregate classification (germline): Uncertain significance (1 of 4 stars; one submission).

Conditions:
Familial adenomatous polyposis 1 (FAP1). Also called: FAMILIAL ADENOMATOUS POLYPOSIS 1, ATTENUATED; POLYPOSIS, ADENOMATOUS INTESTINAL. Identifiers: MedGen C2713442, MONDO:0021056, OMIM 175100. Disease mechanism: loss of function.

Submission:

Labcorp Genetics (formerly Invitae), Labcorp
Classification: Uncertain significance for Familial adenomatous polyposis 1. Last evaluated: 2019-09-16. Review status: criteria provided, single submitter. Criteria: Invitae Variant Classification Sherloc (09022015). Collection method: clinical testing. Allele origin: germline.
Comment: In summary, the available evidence is currently insufficient to determine the role of this variant in disease. Therefore, it has been classified as a Variant of Uncertain Significance. Algorithms developed to predict the effect of missense changes on protein structure and function are either unavailable or do not agree on the potential impact of this missense change (SIFT: "Tolerated"; PolyPhen-2: "Probably Damaging"; Align-GVGD: "Class C0"). This variant has not been reported in the literature in individuals with APC-related conditions. This variant is not present in population databases (ExAC no frequency). This sequence change replaces arginine with glycine at codon 194 of the APC protein (p.Arg194Gly). The arginine residue is highly conserved and there is a moderate physicochemical difference between arginine and glycine.